The following is an entry in ClinVar:

NM_003458.4(BSN):c.11307T>C (p.Ser3769=)

Gene: BSN (bassoon presynaptic cytomatrix protein; plus strand). Cytogenetic location: 3p21.31.
Variant type: single nucleotide variant.
Coding change: c.11307T>C on transcript NM_003458.4 (MANE Select); coding-DNA position 11307, T replaced by C.
Protein change: p.Ser3769=; no amino-acid change (serine 3769 retained).
Molecular consequence: synonymous variant.
Genome position (GRCh38, 1-based): chr3:49,663,465, T>C. VCF-style: chr3-49663465-T-C. GRCh37 (hg19) VCF-style: chr3-49700898-T-C.
Identifiers: ClinVar variation 3033876 (VCV003033876.2), dbSNP rs763460708, ClinGen allele CA2401479.

ClinVar aggregate classification (germline): Likely benign (0 of 4 stars; one submission).

Conditions:
BSN-related disorder. Also called: BSN-related condition.

Allele frequency attached by ClinVar (database versions not stated): gnomAD 0.00001; gnomAD exomes 0.00001; TOPMed 0.00001; ExAC 0.00003.
gnomAD v4.1: 17 of 1,612,604 alleles (0.0011%); highest among the groups gnomAD compares: East Asian, 0.016%; no homozygotes.

Submission:

PreventionGenetics, part of Exact Sciences
Classification: Likely benign for BSN-related condition. Last evaluated: 2019-06-18. Review status: no assertion criteria provided. Collection method: clinical testing. Allele origin: germline.
Comment: This variant is classified as likely benign based on ACMG/AMP sequence variant interpretation guidelines (Richards et al. 2015 PMID: 25741868, with internal and published modifications).